The following is an entry in ClinVar:

ClinVar aggregate classification (germline): Uncertain significance. Review status: criteria provided, multiple submitters, no conflicts (2 of 4 stars). 2 submissions from 2 submitters: Uncertain significance (2). Last evaluated 2025-02-15.

Conditions:
Primary ciliary dyskinesia. Also called: Ciliary dyskinesia. Identifiers: Orphanet 244, MedGen C0008780, MONDO:0016575, HP:0012265.

Allele frequency attached by ClinVar (database versions not stated): gnomAD exomes below 0.00001.
gnomAD v4.1: 4 of 1,612,836 alleles (0.00025%); highest among the groups gnomAD compares: Admixed American, 0.0067%; no homozygotes.

Submissions (2):

Labcorp Genetics (formerly Invitae), Labcorp
Classification: Uncertain significance for Primary ciliary dyskinesia. Last evaluated: 2025-02-15. Review status: criteria provided, single submitter. Criteria: Invitae Variant Classification Sherloc (09022015). Collection method: clinical testing. Allele origin: germline.
Comment: This sequence change replaces methionine, which is neutral and non-polar, with valine, which is neutral and non-polar, at codon 4482 of the DNAH8 protein (p.Met4482Val). This variant is present in population databases (no rsID available, gnomAD 0.003%). This variant has not been reported in the literature in individuals affected with DNAH8-related conditions. ClinVar contains an entry for this variant (Variation ID: 2400995). Invitae Evidence Modeling of protein sequence and biophysical properties (such as structural, functional, and spatial information, amino acid conservation, physicochemical variation, residue mobility, and thermodynamic stability) has been performed for this missense variant. However, the output from this modeling did not meet the statistical confidence thresholds required to predict the impact of this variant on DNAH8 protein function. In summary, the available evidence is currently insufficient to determine the role of this variant in disease. Therefore, it has been classified as a Variant of Uncertain Significance.

Ambry Genetics
Classification: Uncertain significance. Last evaluated: 2022-07-08. Review status: criteria provided, single submitter. Criteria: Ambry Variant Classification Scheme 2023. Collection method: clinical testing. Allele origin: germline.

NM_001206927.2(DNAH8):c.13444A>G (p.Met4482Val)

Gene: DNAH8 (dynein axonemal heavy chain 8; plus strand). Cytogenetic location: 6p21.2.
Variant type: single nucleotide variant.
Coding change: c.13444A>G on transcript NM_001206927.2 (MANE Select); coding-DNA position 13444, A replaced by G.
Protein change: p.Met4482Val; replaces methionine 4482 with valine.
Molecular consequence: missense variant.
Genome position (GRCh38, 1-based): chr6:39,012,287, A>G. VCF-style: chr6-39012287-A-G. GRCh37 (hg19) VCF-style: chr6-38980063-A-G.
Other names: c.12793A>G, p.Met4265Val (NM_001371.4); short protein forms M4482V, M4265V.
Identifiers: ClinVar variation 2400995 (VCV002400995.3), dbSNP rs1241609542, ClinGen allele CA363993225.